The following is an entry in ClinVar:

NM_138409.4(MRAP2):c.81T>G (p.Tyr27Ter)

Gene: MRAP2 (melanocortin 2 receptor accessory protein 2; plus strand). Cytogenetic location: 6q14.2.
Variant type: single nucleotide variant.
Coding change: c.81T>G on transcript NM_138409.4 (MANE Select); coding-DNA position 81, T replaced by G.
Protein change: p.Tyr27Ter; replaces tyrosine 27 with a stop codon.
Molecular consequence: nonsense. On other transcripts: 5 prime UTR variant (2).
Genome position (GRCh38, 1-based): chr6:84,055,399, T>G. VCF-style: chr6-84055399-T-G. GRCh37 (hg19) VCF-style: chr6-84765118-T-G.
Other names: c.-78T>G (NM_001346541.2); c.81T>G, p.Tyr27Ter (NM_001346542.2, NM_001346544.2); c.-179T>G (NM_001346543.2); short protein forms Y27*.
Identifiers: ClinVar variation 2862344 (VCV002862344.3), dbSNP rs2541538784, ClinGen allele CA364860337.

ClinVar aggregate classification (germline): Uncertain significance (1 of 4 stars; one submission).

Submission:

Labcorp Genetics (formerly Invitae), Labcorp
Classification: Uncertain significance. Last evaluated: 2023-05-05. Review status: criteria provided, single submitter. Criteria: Invitae Variant Classification Sherloc (09022015). Collection method: clinical testing. Allele origin: germline.
Comment: In summary, the available evidence is currently insufficient to determine the role of this variant in disease. Therefore, it has been classified as a Variant of Uncertain Significance. This variant has not been reported in the literature in individuals affected with MRAP2-related conditions. This variant is not present in population databases (gnomAD no frequency). This sequence change creates a premature translational stop signal (p.Tyr27*) in the MRAP2 gene. It is expected to result in an absent or disrupted protein product. However, the current clinical and genetic evidence is not sufficient to establish whether loss-of-function variants in MRAP2 cause disease.